The following is an entry in ClinVar:

NM_000548.5(TSC2):c.3883G>A (p.Asp1295Asn)

Gene: TSC2 (TSC complex subunit 2; plus strand). Cytogenetic location: 16p13.3.
Variant type: single nucleotide variant.
Coding change: c.3883G>A on transcript NM_000548.5 (MANE Select); coding-DNA position 3883, G replaced by A.
Protein change: p.Asp1295Asn; replaces aspartic acid 1295 with asparagine.
Molecular consequence: missense variant. On other transcripts: intron variant (6).
Genome position (GRCh38, 1-based): chr16:2,082,504, G>A. VCF-style: chr16-2082504-G-A. GRCh37 (hg19) VCF-style: chr16-2132505-G-A.
Other names: c.3151G>A, p.Asp1051Asn (NM_001318831.2); c.3751G>A, p.Asp1251Asn (NM_001370404.1); c.3754G>A, p.Asp1252Asn (NM_001370405.1, NM_021055.3); c.3814+706G>A (NM_001114382.3); c.3685+706G>A (NM_001363528.2); c.3682+706G>A (NM_001077183.3); c.3574+706G>A (NM_001318827.2); c.3538+706G>A (NM_001318829.2); and 1 more; short protein forms D1051N, D1251N, D1252N, D1295N.
Identifiers: ClinVar variation 1692496 (VCV001692496.1), dbSNP rs2090268813, ClinGen allele CA394295311.

ClinVar aggregate classification (germline): Uncertain significance (1 of 4 stars; one submission).

Conditions:
Hereditary cancer-predisposing syndrome. Also called: Hereditary Cancer Syndrome; Hereditary neoplastic syndrome; Neoplastic Syndromes, Hereditary; Tumor predisposition. Identifiers: Orphanet 140162, MedGen C0027672, MeSH D009386, MONDO:0015356.

Allele frequency attached by ClinVar (database versions not stated): TOPMed below 0.00001.
gnomAD v4.1: 1 of 1,611,438 alleles (0.000062%); highest among the groups gnomAD compares: South Asian, 0.0011%; no homozygotes.

Submission:

Sema4
Classification: Uncertain significance for Hereditary cancer-predisposing syndrome. Last evaluated: 2021-11-15. Review status: criteria provided, single submitter. Criteria: Sema4 Curation Guidelines. Collection method: curation. Allele origin: germline.
Comment: The TSC2 c.3883G>A (p.D1295N) variant has not been reported in the literature to our knowledge. It was not observed in the large and broad cohorts of the Genome Aggregation Database, nor has it been reported in ClinVar. This variant is located at the last nucleotide of exon 32. Splice prediction tools suggest the variant may potentially have an impact on splicing, though functional studies have not been performed. The evidence is insufficient to meet ACMG/AMP criteria for classifying the variant as benign or pathogenic. Thus, the clinical significance of this variant is currently uncertain.